The following is an entry in ClinVar:

NM_014795.4(ZEB2):c.26G>A (p.Gly9Asp)

Gene: ZEB2 (zinc finger E-box binding homeobox 2; minus strand). Cytogenetic location: 2q22.3.
Variant type: single nucleotide variant.
Coding change: c.26G>A on transcript NM_014795.4 (MANE Select); coding-DNA position 26, G replaced by A.
Protein change: p.Gly9Asp; replaces glycine 9 with aspartic acid.
Molecular consequence: missense variant. On other transcripts: non-coding transcript variant (1).
Genome position (GRCh38, 1-based): chr2:144,517,325, C>T on the plus strand (G>A on the coding strand, the complement: ZEB2 is on the minus strand). VCF-style: chr2-144517325-C-T. GRCh37 (hg19) VCF-style: chr2-145274892-C-T.
Other names: c.26G>A, p.Gly9Asp (NM_001171653.2); short protein forms G9D.
Identifiers: ClinVar variation 933393 (VCV000933393.18), dbSNP rs1242134764, ClinGen allele CA348858399.

ClinVar aggregate classification (germline): Conflicting classifications of pathogenicity. Review status: criteria provided, conflicting classifications (1 of 4 stars). 4 submissions from 4 submitters: Uncertain significance (3); Benign (1). Last evaluated 2023-07-07.

Conditions:
Mowat-Wilson syndrome (MOWS). Also called: Classic Mowat-Wilson Syndrome. Identifiers: Orphanet 2152, MedGen C1856113, MONDO:0009341, OMIM 235730.

Allele frequency attached by ClinVar (database versions not stated): TOPMed below 0.00001; gnomAD 0.00001; gnomAD exomes 0.00001.
gnomAD v4.1: 12 of 1,613,490 alleles (0.00074%); highest among the groups gnomAD compares: African/African-American, 0.0013%; no homozygotes.

Submissions (4):

Labcorp Genetics (formerly Invitae), Labcorp
Classification: Benign for Mowat-Wilson syndrome. Last evaluated: 2023-07-07. Review status: criteria provided, single submitter. Criteria: Invitae Variant Classification Sherloc (09022015). Collection method: clinical testing. Allele origin: germline.

Genome-Nilou Lab
Classification: Uncertain significance for Mowat-Wilson syndrome. Last evaluated: 2021-11-07. Review status: criteria provided, single submitter. Criteria: ACMG Guidelines, 2015. Collection method: clinical testing. Allele origin: germline. Affected: no.

GeneDx
Classification: Uncertain significance. Last evaluated: 2019-09-09. Review status: criteria provided, single submitter. Criteria: GeneDx Variant Classification Process June 2021. Collection method: clinical testing. Allele origin: germline. Affected: yes.
Comment: Not observed in large population cohorts (Lek et al., 2016); In silico analysis, which includes protein predictors and evolutionary conservation, supports a deleterious effect; Has not been previously published as pathogenic or benign to our knowledge

Mayo Clinic Laboratories, Mayo Clinic
Classification: Uncertain significance. Last evaluated: 2019-08-27. Review status: criteria provided, single submitter. Criteria: ACMG Guidelines, 2015. Collection method: clinical testing. Allele origin: germline. Observed: 1 variant allele.